The following is an entry in ClinVar:

ClinVar aggregate classification (germline): Likely benign. Review status: criteria provided, multiple submitters, no conflicts (2 of 4 stars). 2 submissions from 2 submitters: Likely benign (2). Last evaluated 2025-04-09.

gnomAD v4.1: 22 of 1,610,624 alleles (0.0014%); highest among the groups gnomAD compares: Non-Finnish European, 0.0015%; no homozygotes.

Submissions (2):

Labcorp Genetics (formerly Invitae), Labcorp
Classification: Likely benign. Last evaluated: 2025-04-09. Review status: criteria provided, single submitter. Criteria: Invitae Variant Classification Sherloc (09022015). Collection method: clinical testing. Allele origin: germline.

Mayo Clinic Laboratories, Mayo Clinic
Classification: Likely benign. Last evaluated: 2025-03-11. Review status: criteria provided, single submitter. Criteria: ACMG Guidelines, 2015. Collection method: clinical testing. Allele origin: germline. Observed: 1 variant allele.
Comment: BP4, BP7

NM_012268.4(PLD3):c.102+7G>A

Gene: PLD3 (phospholipase D family member 3; plus strand). Cytogenetic location: 19q13.2.
Variant type: single nucleotide variant.
Coding change: c.102+7G>A on transcript NM_012268.4 (MANE Select); 7 bases into the intron after coding-DNA position 102, G replaced by A.
Molecular consequence: intron variant.
Genome position (GRCh38, 1-based): chr19:40,366,691, G>A. VCF-style: chr19-40366691-G-A. GRCh37 (hg19) VCF-style: chr19-40872598-G-A.
Other names: p.?; c.102+7G>A (NM_001031696.4, NM_001291311.2).
Identifiers: ClinVar variation 4684374 (VCV004684374.2).